The following is an entry in ClinVar:

NM_015375.3(DSTYK):c.457C>G (p.Leu153Val)

Gene: DSTYK (dual serine/threonine and tyrosine protein kinase; minus strand). Cytogenetic location: 1q32.1.
Variant type: single nucleotide variant.
Coding change: c.457C>G on transcript NM_015375.3 (MANE Select); coding-DNA position 457, C replaced by G.
Protein change: p.Leu153Val; replaces leucine 153 with valine.
Molecular consequence: missense variant.
Genome position (GRCh38, 1-based): chr1:205,187,615, G>C on the plus strand (C>G on the coding strand, the complement: DSTYK is on the minus strand). VCF-style: chr1-205187615-G-C. GRCh37 (hg19) VCF-style: chr1-205156743-G-C.
Other names: c.457C>G (NM_015375.2); c.457C>G, p.Leu153Val (NM_199462.3); short protein forms L153V.
Identifiers: ClinVar variation 2897181 (VCV002897181.4), dbSNP rs150727939, ClinGen allele CA1353035.
Genomic context (GRCh38, chr1:205,187,615, plus strand): 5'-GTTCATACTGTCCAGGGAGCGCCAGGCTGACCCGAGTCTGAGTCCCATAGGTGAAGCGGA[G>C]GCGCCGAAGCTTACAGCTCTCCTCACTGCCCAGCTTGGTGGTGGGAAGCACCTGCACCCC-3'
Protein context (NP_056190.1, residues 143-163): GSEESCKLRR[Leu153Val]RFTYGTQTRV

ClinVar aggregate classification (germline): Uncertain significance. Review status: criteria provided, multiple submitters, no conflicts (2 of 4 stars). 2 submissions from 2 submitters: Uncertain significance (2). Last evaluated 2023-07-27.

Allele frequency attached by ClinVar (database versions not stated): gnomAD exomes 0.00001; ExAC 0.00002; gnomAD 0.00009; ESP Exome Variant Server 0.00015; TOPMed 0.00015; 1000 Genomes Project 30x 0.00031; 1000 Genomes Project 0.00040.
gnomAD v4.1: 24 of 1,614,188 alleles (0.0015%); highest among the groups gnomAD compares: African/African-American, 0.021%; no homozygotes.

Submissions (2):

Labcorp Genetics (formerly Invitae), Labcorp
Classification: Uncertain significance. Last evaluated: 2023-07-27. Review status: criteria provided, single submitter. Criteria: Invitae Variant Classification Sherloc (09022015). Collection method: clinical testing. Allele origin: germline.
Comment: This sequence change replaces leucine, which is neutral and non-polar, with valine, which is neutral and non-polar, at codon 153 of the DSTYK protein (p.Leu153Val). In summary, the available evidence is currently insufficient to determine the role of this variant in disease. Therefore, it has been classified as a Variant of Uncertain Significance. An algorithm developed to predict the effect of missense changes on protein structure and function (PolyPhen-2) suggests that this variant is likely to be tolerated. This variant has not been reported in the literature in individuals affected with DSTYK-related conditions. This variant is present in population databases (rs150727939, gnomAD 0.02%).

Ambry Genetics
Classification: Uncertain significance. Last evaluated: 2021-10-06. Review status: criteria provided, single submitter. Criteria: Ambry Variant Classification Scheme 2023. Collection method: clinical testing. Allele origin: germline.